The following is an entry in ClinVar:

ClinVar aggregate classification (germline): Uncertain significance (1 of 4 stars; one submission).

Conditions:
Familial thoracic aortic aneurysm and aortic dissection (TAAD). Also called: Thoracic aortic aneurysms and dissections. Identifiers: Orphanet 91387, MedGen C4707243, MONDO:0019625.

Submission:

Ambry Genetics
Classification: Uncertain significance for Familial thoracic aortic aneurysm and aortic dissection. Last evaluated: 2020-01-02. Review status: criteria provided, single submitter. Criteria: Ambry Variant Classification Scheme 2023. Collection method: clinical testing. Allele origin: germline.
Comment: The p.S1617P variant (also known as c.4849T>C), located in coding exon 26 of the MYLK gene, results from a T to C substitution at nucleotide position 4849. The serine at codon 1617 is replaced by proline, an amino acid with similar properties. Another alteration affecting the same amino acid, p.S1617Y (c.4850C>A), has been reported in association with thoracic aortic aneurysm and dissection (TAAD) (Overwater E et al. Hum. Mutat., 2018 09;39:1173-1192). This amino acid position is not well conserved in available vertebrate species. In addition, this alteration is predicted to be tolerated by in silico analysis. Since supporting evidence is limited at this time, the clinical significance of this alteration remains unclear.

Literature cited by the submitters: PubMed 29907982.

NM_053025.4(MYLK):c.4849T>C (p.Ser1617Pro)

Gene: MYLK (myosin light chain kinase; minus strand). Cytogenetic location: 3q21.1.
Variant type: single nucleotide variant.
Coding change: c.4849T>C on transcript NM_053025.4 (MANE Select); coding-DNA position 4849, T replaced by C.
Protein change: p.Ser1617Pro; replaces serine 1617 with proline.
Molecular consequence: missense variant.
Genome position (GRCh38, 1-based): chr3:123,638,183, A>G on the plus strand (T>C on the coding strand, the complement: MYLK is on the minus strand). VCF-style: chr3-123638183-A-G. GRCh37 (hg19) VCF-style: chr3-123357030-A-G.
Other names: c.4321T>C, p.Ser1441Pro (NM_001321309.2); c.4642T>C, p.Ser1548Pro (NM_053026.4, NM_053028.4); c.4849T>C, p.Ser1617Pro (NM_053027.4); short protein forms S1441P, S1548P, S1617P.
Identifiers: ClinVar variation 1743545 (VCV001743545.2), dbSNP rs2473198885, ClinGen allele CA354225808.